The following is an entry in ClinVar:

ClinVar aggregate classification (germline): Likely benign (0 of 4 stars; one submission).

Conditions:
DROSHA-related disorder. Also called: DROSHA-related condition.

Allele frequency attached by ClinVar (database versions not stated): gnomAD exomes 0.00003; ExAC 0.00014; ESP Exome Variant Server 0.00017; gnomAD 0.00040; TOPMed 0.00042; 1000 Genomes Project 0.00060; 1000 Genomes Project 30x 0.00062.
gnomAD v4.1: 104 of 1,567,894 alleles (0.0066%); highest among the groups gnomAD compares: African/African-American, 0.14%; no homozygotes.

Submission:

PreventionGenetics, part of Exact Sciences
Classification: Likely benign for DROSHA-related condition. Last evaluated: 2022-05-31. Review status: no assertion criteria provided. Collection method: clinical testing. Allele origin: germline.
Comment: This variant is classified as likely benign based on ACMG/AMP sequence variant interpretation guidelines (Richards et al. 2015 PMID: 25741868, with internal and published modifications).

NM_001382508.1(DROSHA):c.2883-4G>A

Gene: DROSHA (drosha ribonuclease III; minus strand). Cytogenetic location: 5p13.3.
Variant type: single nucleotide variant.
Coding change: c.2883-4G>A on transcript NM_001382508.1 (MANE Select); 4 bases into the intron before coding-DNA position 2883, G replaced by A.
Molecular consequence: intron variant.
Genome position (GRCh38, 1-based): chr5:31,437,302, C>T on the plus strand (G>A on the coding strand, the complement: DROSHA is on the minus strand). VCF-style: chr5-31437302-C-T. GRCh37 (hg19) VCF-style: chr5-31437409-C-T.
Other names: c.2883-4G>A (NM_013235.5); c.2772-4G>A (NM_001100412.2).
Identifiers: ClinVar variation 3054946 (VCV003054946.2), dbSNP rs377397902, ClinGen allele CA3217338.
Genomic context (GRCh38, chr5:31,437,302, plus strand): 5'-GTCAGAAATTCAACAACAGCATCACCCAGGAATTCCAACCGTTCATTGTGGTTAATCCTA[C>T]AATAGGAATTAAAAAGGTTACTTAATACAGCATATTAACACTCCCCCCCACCCACCCACC-3'